The following is an entry in ClinVar:

NM_001567.4(INPPL1):c.519-1_519inv

Gene: INPPL1 (inositol polyphosphate phosphatase like 1; plus strand). Cytogenetic location: 11q13.4.
Variant type: Inversion.
Coding change: c.519-1_519inv on transcript NM_001567.4 (MANE Select).
Molecular consequence: splice acceptor variant.
Genome position: GRCh38 VCF-style: chr11-72229089-GT-AC. GRCh37 (hg19) VCF-style: chr11-71940133-GT-AC.
Identifiers: ClinVar variation 3641782 (VCV003641782.2).
Genomic context (GRCh38, chr11:72,229,089, plus strand): 5'-GGGCAGAGGTGCTGGGACAGGTCAGCAGGACCTCCACTGACTTCTTAACCCCTCCCCAAA[GT>AC]GCTCCCAATGGGCTGAGCACCGTCTCGCACGACTACCTGAAAGGCAGCTATGGGCTGGAC-3'

ClinVar aggregate classification (germline): Likely pathogenic (1 of 4 stars; one submission).

Submission:

Labcorp Genetics (formerly Invitae), Labcorp
Classification: Likely pathogenic. Last evaluated: 2025-12-16. Review status: criteria provided, single submitter. Criteria: Invitae Variant Classification Sherloc (09022015). Collection method: clinical testing. Allele origin: germline.
Comment: This variant results in the deletion of part of exon 5 (c.519-1_519delinsAC) of the INPPL1 gene. It is expected to disrupt RNA splicing. Variants that disrupt the donor or acceptor splice site typically lead to a loss of protein function (PMID: 16199547), and loss-of-function variants in INPPL1 are known to be pathogenic (PMID: 23273567, 23273569). Information on the frequency of this variant in the gnomAD database is not available, as this variant may be reported differently in the database. This variant has not been reported in the literature in individuals affected with INPPL1-related conditions. ClinVar contains an entry for this variant (Variation ID: 3641782). In summary, the currently available evidence indicates that the variant is pathogenic, but additional data are needed to prove that conclusively. Therefore, this variant has been classified as Likely Pathogenic.

Literature cited by the submitters: PubMed 16199547; PubMed 23273567; PubMed 23273569.